The following is an entry in ClinVar:

NM_001042492.3(NF1):c.4749del (p.Glu1583fs)

Gene: NF1 (neurofibromin 1; plus strand). Cytogenetic location: 17q11.2.
Variant type: Deletion.
Coding change: c.4749del on transcript NM_001042492.3 (MANE Select); coding-DNA position 4749, one base deleted (A; older notation c.4749delA).
Protein change: p.Glu1583fs; shifts the reading frame from glutamic acid 1583.
Molecular consequence: frameshift variant.
Genome position (GRCh38, 1-based): chr17:31,265,253, A deleted; the last of 2 consecutive A bases (chr17:31,265,252-31,265,253); deleting either gives the same sequence. VCF-style (leftmost placement, unchanged base first): chr17-31265251-GA-G. GRCh37 (hg19) VCF-style: chr17-29592269-GA-G.
Other names: c.4686delA (NM_000267.3); c.4686delA, p.Glu1562Aspfs (NM_000267.4); short protein forms E1562fs, E1583fs.
Identifiers: ClinVar variation 569717 (VCV000569717.5), dbSNP rs1567864983, ClinGen allele CA891843831.

ClinVar aggregate classification (germline): Pathogenic (1 of 4 stars; one submission).

Conditions:
Neurofibromatosis, type 1 (NF1). Also called: Peripheral type neurofibromatosis; VON RECKLINGHAUSEN DISEASE; Neurofibromatosis, type I; NEUROFIBROMATOSIS, TYPE I, SOMATIC. Identifiers: Orphanet 636, MedGen C0027831, MONDO:0018975, OMIM 162200. Disease mechanism: loss of function.

Submission:

Labcorp Genetics (formerly Invitae), Labcorp
Classification: Pathogenic for Neurofibromatosis, type 1. Last evaluated: 2018-01-16. Review status: criteria provided, single submitter. Criteria: Invitae Variant Classification Sherloc (09022015). Collection method: clinical testing. Allele origin: germline.
Comment: For these reasons, this variant has been classified as Pathogenic. This sequence change creates a premature translational stop signal (p.Glu1562Aspfs*5) in the NF1 gene. It is expected to result in an absent or disrupted protein product. This variant is not present in population databases (ExAC no frequency). This variant has not been reported in the literature in individuals with NF1-related disease. Loss-of-function variants in NF1 are known to be pathogenic (PMID: 10712197, 23913538).

Literature cited by the submitters: PubMed 10712197; PubMed 23913538.